The following is an entry in ClinVar:

ClinVar aggregate classification (germline): Uncertain significance (1 of 4 stars; one submission).

Allele frequency attached by ClinVar (database versions not stated): gnomAD 0.00001; TOPMed 0.00001.

Submission:

Labcorp Genetics (formerly Invitae), Labcorp
Classification: Uncertain significance. Last evaluated: 2025-12-31. Review status: criteria provided, single submitter. Criteria: Invitae Variant Classification Sherloc (09022015). Collection method: clinical testing. Allele origin: germline.
Comment: This sequence change replaces glycine, which is neutral and non-polar, with serine, which is neutral and polar, at codon 156 of the CYP19A1 protein (p.Gly156Ser). This variant is present in population databases (rs757460733, gnomAD 0.01%). This variant has not been reported in the literature in individuals affected with CYP19A1-related conditions. ClinVar contains an entry for this variant (Variation ID: 2063389). Invitae Evidence Modeling of protein sequence and biophysical properties (such as structural, functional, and spatial information, amino acid conservation, physicochemical variation, residue mobility, and thermodynamic stability) indicates that this missense variant is not expected to disrupt CYP19A1 protein function with a negative predictive value of 80%. In summary, the available evidence is currently insufficient to determine the role of this variant in disease. Therefore, it has been classified as a Variant of Uncertain Significance.

NM_000103.4(CYP19A1):c.466G>A (p.Gly156Ser)

Genes: MIR4713HG (MIR4713 host gene; plus strand), PIRC66 (piwi-interacting RNA cluster 66; plus strand), CYP19A1 (cytochrome P450 family 19 subfamily A member 1; minus strand). Cytogenetic location: 15q21.2.
Variant type: single nucleotide variant.
Coding change: c.466G>A on transcript NM_000103.4 (MANE Select); coding-DNA position 466, G replaced by A.
Protein change: p.Gly156Ser; replaces glycine 156 with serine.
Molecular consequence: missense variant.
Genome position (GRCh38, 1-based): chr15:51,222,511, C>T on the plus strand (G>A on the coding strand, the complement: CYP19A1 is on the minus strand). VCF-style: chr15-51222511-C-T. GRCh37 (hg19) VCF-style: chr15-51514708-C-T.
Other names: c.466G>A, p.Gly156Ser (NM_001347248.1, NM_001347249.2, NM_001347250.2 and 7 more transcripts); short protein forms G156S.
Identifiers: ClinVar variation 2063389 (VCV002063389.3), dbSNP rs757460733, ClinGen allele CA7560049.
Genomic context (GRCh38, chr15:51,222,511, plus strand): 5'-CCAACCTGTCCAGATGTGTTTTGAGGGATTCAGCACAGACTGTGACCATACGAACAAGGC[C>T]GGGGCCTGACAGAGCTGCAGAGTACACATCAGAGAATCAGCCATCACGAACTCCAGGGCA-3'
Protein context (NP_000094.2, residues 146-166): PFFMKALSGP[Gly156Ser]LVRMVTVCAE